The following is an entry in ClinVar:

NM_023110.3(FGFR1):c.47C>T (p.Ala16Val)

Gene: FGFR1 (fibroblast growth factor receptor 1; minus strand). Cytogenetic location: 8p11.23.
Variant type: single nucleotide variant.
Coding change: c.47C>T on transcript NM_023110.3 (MANE Select); coding-DNA position 47, C replaced by T.
Protein change: p.Ala16Val; replaces alanine 16 with valine.
Molecular consequence: missense variant. On other transcripts: 5 prime UTR variant (1).
Genome position (GRCh38, 1-based): chr8:38,457,400, G>A on the plus strand (C>T on the coding strand, the complement: FGFR1 is on the minus strand). VCF-style: chr8-38457400-G-A. GRCh37 (hg19) VCF-style: chr8-38314918-G-A.
Other names: c.47C>T, p.Ala16Val (NM_000604.2, NM_001174063.2, NM_001174065.2 and 9 more transcripts); c.-46C>T (NM_001174064.2); c.146C>T, p.Ala49Val (NM_001174067.2); short protein forms A16V, A49V.
Identifiers: ClinVar variation 2629810 (VCV002629810.2), dbSNP rs200596591, ClinGen allele CA4718949.

ClinVar aggregate classification (germline): Uncertain significance. Review status: criteria provided, multiple submitters, no conflicts (2 of 4 stars). 2 submissions from 2 submitters: Uncertain significance (2). Last evaluated 2025-10-21.

Conditions:
Hypogonadotropic hypogonadism 2 with or without anosmia (HH2). Also called: HYPOGONADOTROPIC HYPOGONADISM 2 WITHOUT ANOSMIA; HYPOGONADOTROPIC HYPOGONADISM 2 WITH OR WITHOUT ANOSMIA, SUSCEPTIBILITY TO; HYPOGONADOTROPIC HYPOGONADISM 2 WITHOUT ANOSMIA, SUSCEPTIBILITY TO; FGFR1-Related GnRH Deficiency (Kallmann Syndrome 2). Identifiers: Orphanet 478, MedGen C1563720, MONDO:0007844, OMIM 147950. Disease mechanism: loss of function.
Pfeiffer syndrome (ACS5). Also called: ACS V. Identifiers: Orphanet 710, MedGen C0220658, MONDO:0007043, OMIM 101600.
FGFR1-related disorder. Also called: FGFR1-related condition; FGFR1-related disorders. Identifiers: MedGen CN380097.

Allele frequency attached by ClinVar (database versions not stated): ExAC 0.00001; gnomAD 0.00001.
gnomAD v4.1: 24 of 1,613,758 alleles (0.0015%); highest among the groups gnomAD compares: Non-Finnish European, 0.002%; no homozygotes.

Submissions (2):

Labcorp Genetics (formerly Invitae), Labcorp
Classification: Uncertain significance for Pfeiffer syndrome; Hypogonadotropic hypogonadism 2 with or without anosmia. Last evaluated: 2025-10-21. Review status: criteria provided, single submitter. Criteria: Invitae Variant Classification Sherloc (09022015). Collection method: clinical testing. Allele origin: germline.
Comment: This sequence change replaces alanine, which is neutral and non-polar, with valine, which is neutral and non-polar, at codon 16 of the FGFR1 protein (p.Ala16Val). This variant is present in population databases (rs200596591, gnomAD 0.002%). This variant has not been reported in the literature in individuals affected with FGFR1-related conditions. ClinVar contains an entry for this variant (Variation ID: 2629810). Invitae Evidence Modeling of protein sequence and biophysical properties (such as structural, functional, and spatial information, amino acid conservation, physicochemical variation, residue mobility, and thermodynamic stability) has been performed for this missense variant. However, the output from this modeling did not meet the statistical confidence thresholds required to predict the impact of this variant on FGFR1 protein function. In summary, the available evidence is currently insufficient to determine the role of this variant in disease. Therefore, it has been classified as a Variant of Uncertain Significance.

PreventionGenetics, part of Exact Sciences
Classification: Uncertain significance for FGFR1-related condition. Last evaluated: 2023-01-18. Review status: criteria provided, single submitter. Criteria: ACMG Guidelines, 2015. Collection method: clinical testing. Allele origin: germline.
Comment: The FGFR1 c.47C>T variant is predicted to result in the amino acid substitution p.Ala16Val. To our knowledge, this variant has not been reported in the literature. This variant is reported in 0.0016% of alleles in individuals of European (Non-Finnish) descent in gnomAD. A different missense variant affecting the same residue (p.Ala16Gly) was documented in a patient with Kallmann syndrome (Dodé et al. 2009. PubMed ID: 18985070, supp table 2). At this time, the clinical significance of the c.47C>T (p.Ala16Val) variant is uncertain due to the absence of conclusive functional and genetic evidence.